The following is an entry in ClinVar:

NM_002838.5(PTPRC):c.3043A>G (p.Ser1015Gly)

Gene: PTPRC (protein tyrosine phosphatase receptor type C; plus strand). Cytogenetic location: 1q32.1.
Variant type: single nucleotide variant.
Coding change: c.3043A>G on transcript NM_002838.5 (MANE Select); coding-DNA position 3043, A replaced by G.
Protein change: p.Ser1015Gly; replaces serine 1015 with glycine.
Molecular consequence: missense variant.
Genome position (GRCh38, 1-based): chr1:198,749,520, A>G. VCF-style: chr1-198749520-A-G. GRCh37 (hg19) VCF-style: chr1-198718649-A-G.
Other names: c.2560A>G, p.Ser854Gly (NM_080921.4); short protein forms S1015G, S854G.
Identifiers: ClinVar variation 1358626 (VCV001358626.7), dbSNP rs755914577, ClinGen allele CA1315310.
Genomic context (GRCh38, chr1:198,749,520, plus strand): 5'-AAAGAGAGTGAGCATGATTCAGATGAATCCTCTGATGATGACAGTGATTCAGAGGAACCA[A>G]GCAAATACATCAATGCATCTTTTATAATGGTAGGTACTTAAATTGCCAAAACCCAAGATC-3'
Protein context (NP_002829.3, residues 1005-1025): SDDDSDSEEP[Ser1015Gly]KYINASFIMS

ClinVar aggregate classification (germline): Uncertain significance (1 of 4 stars; one submission).

Conditions:
Immunodeficiency 104. Also called: Severe combined immunodeficiency, autosomal recessive, T cell-negative, B cell-positive, NK cell-positive; IMMUNODEFICIENCY 104, SEVERE COMBINED; SCID, AUTOSOMAL RECESSIVE, T CELL-NEGATIVE, B CELL-POSITIVE, NK CELL-POSITIVE; Severe Combined Immune Deficiency, Autosomal Recessive, TCell -Negative, B Cell-Positive, NK Cell-Positive, IL7R-Related. Identifiers: MedGen C5676890, MONDO:0012163, OMIM 608971.

Allele frequency attached by ClinVar (database versions not stated): gnomAD exomes below 0.00001 and 0.00001; ExAC 0.00001; gnomAD 0.00001; TOPMed 0.00001.
gnomAD v4.1: 9 of 1,611,092 alleles (0.00056%); highest among the groups gnomAD compares: Non-Finnish European, 0.00076%; no homozygotes.

Submission:

Labcorp Genetics (formerly Invitae), Labcorp
Classification: Uncertain significance for Immunodeficiency 104. Last evaluated: 2021-08-14. Review status: criteria provided, single submitter. Criteria: Invitae Variant Classification Sherloc (09022015). Collection method: clinical testing. Allele origin: germline.
Comment: This sequence change replaces serine with glycine at codon 1015 of the PTPRC protein (p.Ser1015Gly). The serine residue is highly conserved and there is a small physicochemical difference between serine and glycine. This variant is present in population databases (rs755914577, ExAC 0.002%). This variant has not been reported in the literature in individuals affected with PTPRC-related conditions. Algorithms developed to predict the effect of missense changes on protein structure and function output the following: SIFT: "Deleterious"; PolyPhen-2: "Possibly Damaging"; Align-GVGD: "Class C55". The glycine amino acid residue is found in multiple mammalian species, which suggests that this missense change does not adversely affect protein function. In summary, the available evidence is currently insufficient to determine the role of this variant in disease. Therefore, it has been classified as a Variant of Uncertain Significance.